The following is an entry in ClinVar:

ClinVar aggregate classification (germline): Uncertain significance (1 of 4 stars; one submission).

Submission:

CeGaT Center for Human Genetics Tuebingen
Classification: Uncertain significance. Last evaluated: 2024-05-01. Review status: criteria provided, single submitter. Criteria: CeGaT Center For Human Genetics Tuebingen Variant Classification Criteria Version 2. Collection method: clinical testing. Allele origin: germline. Affected: yes. Observed: 1 variant allele.
Comment: ATRX: PM2, PS2:Moderate, PP3

NM_000489.6(ATRX):c.3839T>A (p.Ile1280Asn)

Gene: ATRX (ATRX chromatin remodeler; minus strand). Cytogenetic location: Xq21.1.
Variant type: single nucleotide variant.
Coding change: c.3839T>A on transcript NM_000489.6 (MANE Select); coding-DNA position 3839, T replaced by A.
Protein change: p.Ile1280Asn; replaces isoleucine 1280 with asparagine.
Molecular consequence: missense variant.
Genome position (GRCh38, 1-based): chrX:77,664,749, A>T on the plus strand (T>A on the coding strand, the complement: ATRX is on the minus strand). VCF-style: chrX-77664749-A-T. GRCh37 (hg19) VCF-style: chrX-76920238-A-T.
Other names: c.3725T>A, p.Ile1242Asn (NM_138270.5); short protein forms I1242N, I1280N.
Identifiers: ClinVar variation 3239495 (VCV003239495.19), dbSNP rs2148498325.
Genomic context (GRCh38, chrX:77,664,749, plus strand): 5'-TTCCCTTCTTCTGGCTCATCATCTGAAGATCCATCCTCATCAGAGGAAAGATTGGCTTTA[A>T]TTTCTTCTAAAAGCATCTTCTTGGCAATTCTTGAGAGTAAAAAACAATAAAAAAAGAACT-3'
Protein context (NP_000480.3, residues 1270-1290): RIAKKMLLEE[Ile1280Asn]KANLSSDEDG